The following is an entry in ClinVar:

ClinVar aggregate classification (germline): Uncertain significance. Review status: criteria provided, multiple submitters, no conflicts (2 of 4 stars). 2 submissions from 2 submitters: Uncertain significance (2). Last evaluated 2024-09-11.

Conditions:
Dilated cardiomyopathy 1G (CMD1G). Identifiers: Orphanet 154, MedGen C1858763, MONDO:0011400, OMIM 604145.
Autosomal recessive limb-girdle muscular dystrophy type 2J (LGMDR10). Also called: Limb-girdle muscular dystrophy, type 2J; MUSCULAR DYSTROPHY, LIMB-GIRDLE, AUTOSOMAL RECESSIVE 10. Identifiers: Orphanet 140922, MedGen C1837342, MONDO:0012127, OMIM 608807.

Allele frequency attached by ClinVar (database versions not stated): TOPMed 0.00002; gnomAD 0.00006.
gnomAD v4.1: 13 of 1,613,880 alleles (0.00081%); highest among the groups gnomAD compares: African/African-American, 0.016%; no homozygotes.

Submissions (2):

GeneDx
Classification: Uncertain significance. Last evaluated: 2024-09-11. Review status: criteria provided, single submitter. Criteria: GeneDx Variant Classification Process June 2021. Collection method: clinical testing. Allele origin: germline. Affected: yes.
Comment: Not observed at significant frequency in large population cohorts (gnomAD); Missense variant in a gene in which most reported pathogenic variants are truncating/loss of function; Has not been previously published as pathogenic or benign to our knowledge; This variant is associated with the following publications: (PMID: 23975875)

Labcorp Genetics (formerly Invitae), Labcorp
Classification: Uncertain significance for Dilated cardiomyopathy 1G; Autosomal recessive limb-girdle muscular dystrophy type 2J. Last evaluated: 2016-07-24. Review status: criteria provided, single submitter. Criteria: Invitae Variant Classification Sherloc (09022015). Collection method: clinical testing. Allele origin: germline.

NM_001267550.2(TTN):c.106025A>G (p.Tyr35342Cys)

Genes: TTN (titin; minus strand), TTN-AS1 (TTN antisense RNA 1; plus strand), LOC129935182 (ATAC-STARR-seq lymphoblastoid active region 16807; plus strand). Cytogenetic location: 2q31.2.
Variant type: single nucleotide variant.
Coding change: c.106025A>G on transcript NM_001267550.2 (MANE Select); coding-DNA position 106025, A replaced by G.
Protein change: p.Tyr35342Cys; replaces tyrosine 35342 with cysteine.
Molecular consequence: missense variant.
Genome position (GRCh38, 1-based): chr2:178,530,590, T>C on the plus strand (A>G on the coding strand, the complement: TTN is on the minus strand). VCF-style: chr2-178530590-T-C. GRCh37 (hg19) VCF-style: chr2-179395317-T-C.
Other names: c.101102A>G, p.Tyr33701Cys (NM_001256850.1); c.78830A>G, p.Tyr26277Cys (NM_003319.4); c.98321A>G, p.Tyr32774Cys (NM_133378.4); c.79205A>G, p.Tyr26402Cys (NM_133432.3); c.79406A>G, p.Tyr26469Cys (NM_133437.4); c.106025A>G (NM_001267550.1); short protein forms Y35342C, Y26277C, Y26402C, Y26469C, Y33701C, Y32774C.
Identifiers: ClinVar variation 405103 (VCV000405103.4), dbSNP rs1060500560, ClinGen allele CA16610281.